The following is an entry in ClinVar:

NM_001399.5(EDA):c.477A>T (p.Arg159Ser)

Gene: EDA (ectodysplasin A; plus strand). Cytogenetic location: Xq13.1.
Variant type: single nucleotide variant.
Coding change: c.477A>T on transcript NM_001399.5 (MANE Select); coding-DNA position 477, A replaced by T.
Protein change: p.Arg159Ser; replaces arginine 159 with serine.
Molecular consequence: missense variant.
Genome position (GRCh38, 1-based): chrX:69,957,107, A>T. VCF-style: chrX-69957107-A-T. GRCh37 (hg19) VCF-style: chrX-69176957-A-T.
Other names: c.477A>T, p.Arg159Ser (NM_001005609.2, NM_001005612.3); short protein forms R159S.
Identifiers: ClinVar variation 228256 (VCV000228256.4), dbSNP rs876657640, ClinGen allele CA10577172.

ClinVar aggregate classification (germline): Likely pathogenic (1 of 4 stars; one submission).

Conditions:
Hypohidrotic X-linked ectodermal dysplasia (XHED). Also called: ECTODERMAL DYSPLASIA, HYPOHIDROTIC, 1; CST SYNDROME; Anhidrotic ectodermal dysplasia X-linked; Christ Siemens Touraine syndrome; ECTODERMAL DYSPLASIA 1, HYPOHIDROTIC, X-LINKED; ECTODERMAL DYSPLASIA 1, HYPOHIDROTIC/HAIR/TOOTH TYPE, X-LINKED. Identifiers: Orphanet 181, Orphanet 238468, MedGen C0162359, MONDO:0010585, OMIM 305100.

Submission:

Laboratory for Molecular Medicine, Mass General Brigham Personalized Medicine
Classification: Likely pathogenic for Hypohidrotic X-linked ectodermal dysplasia. Last evaluated: 2015-07-22. Review status: criteria provided, single submitter. Criteria: LMM Criteria. Collection method: clinical testing. Allele origin: germline. Inheritance: X-linked inheritance. Observed: 2 variant alleles.
Comment: The p.Arg159Ser variant in EDA has not been previously reported in individuals w ith X-linked hypohidrotic ectodermal dysplasia (XLHED) and was absent from large population studies. This variant affects a critical residue within the furin do main, and changes at this position have been shown to inhibit cleavage at this d omain, thereby impacting the normal function of the protein (Chen 2001). In summ ary, although additional studies are required to fully establish its clinical si gnificance, the p.Arg159Ser variant is likely pathogenic.

Literature cited by the submitters: PubMed 11416205.